The following is an entry in ClinVar:

ClinVar aggregate classification (germline): Uncertain significance (1 of 4 stars; one submission).

Conditions:
Intellectual developmental disorder, X-linked, syndromic, Siderius type. Also called: Syndromic X-linked intellectual disability Siderius type. Identifiers: Orphanet 85287, MedGen C1846055, MONDO:0010286, OMIM 300263.

Allele frequency attached by ClinVar (database versions not stated): gnomAD exomes 0.00002 and 0.00003; TOPMed 0.00006; ExAC 0.00004.

Submission:

Baylor Genetics
Classification: Uncertain significance for Intellectual developmental disorder, X-linked, syndromic, Siderius type. Last evaluated: 2020-05-06. Review status: criteria provided, single submitter. Criteria: ACMG Guidelines, 2015. Collection method: clinical testing. Allele origin: unknown. Affected: yes.
Comment: This variant was determined to be of uncertain significance according to ACMG Guidelines, 2015 [PMID:25741868].

NM_015107.3(PHF8):c.-56C>T

Gene: PHF8 (PHD finger protein 8; minus strand). Cytogenetic location: Xp11.22.
Variant type: single nucleotide variant.
Coding change: c.-56C>T on transcript NM_015107.3 (MANE Select); 56 bases upstream of the start codon, C replaced by T.
Molecular consequence: 5 prime UTR variant. On other transcripts: missense variant (1).
Genome position (GRCh38, 1-based): chrX:54,042,784, G>A on the plus strand (C>T on the coding strand, the complement: PHF8 is on the minus strand). VCF-style: chrX-54042784-G-A. GRCh37 (hg19) VCF-style: chrX-54069217-G-A.
Other names: c.53C>T, p.Ala18Val (NM_001184896.1); c.-56C>T (NM_001184897.2, NM_001184898.2); short protein forms A18V.
Identifiers: ClinVar variation 1030277 (VCV001030277.1), dbSNP rs376594438, ClinGen allele CA10423704.